The following is an entry in ClinVar:

ClinVar aggregate classification (germline): Uncertain significance (1 of 4 stars; one submission).

gnomAD v4.1: 3 of 1,566,442 alleles (0.00019%); highest among the groups gnomAD compares: Non-Finnish European, 0.00026%; no homozygotes.

Submission:

Ambry Genetics
Classification: Uncertain significance. Last evaluated: 2025-01-06. Review status: criteria provided, single submitter. Criteria: Ambry Variant Classification Scheme 2023. Collection method: clinical testing. Allele origin: germline.
Comment: The p.S646F variant (also known as c.1937C>T), located in coding exon 8 of the WNK2 gene, results from a C to T substitution at nucleotide position 1937. The serine at codon 646 is replaced by phenylalanine, an amino acid with highly dissimilar properties. This amino acid position is conserved. In addition, this alteration is predicted to be tolerated by in silico analysis. Based on the available evidence, the clinical significance of this variant remains unclear.

NM_006648.4(WNK2):c.1937C>T (p.Ser646Phe)

Gene: WNK2 (WNK lysine deficient protein kinase 2; plus strand). Cytogenetic location: 9q22.31.
Variant type: single nucleotide variant.
Coding change: c.1937C>T on transcript NM_006648.4 (MANE Select); coding-DNA position 1937, C replaced by T.
Protein change: p.Ser646Phe; replaces serine 646 with phenylalanine.
Molecular consequence: missense variant.
Genome position (GRCh38, 1-based): chr9:93,252,985, C>T. VCF-style: chr9-93252985-C-T. GRCh37 (hg19) VCF-style: chr9-96015267-C-T.
Other names: c.1937C>T, p.Ser646Phe (NM_001282394.3); short protein forms S646F.
Identifiers: ClinVar variation 3816760 (VCV003816760.1).